The following is an entry in ClinVar:

ClinVar aggregate classification (germline): Uncertain significance (1 of 4 stars; one submission).

gnomAD v4.1: 2 of 1,613,302 alleles (0.00012%); highest among the groups gnomAD compares: South Asian, 0.0011%; no homozygotes.

Submission:

Labcorp Genetics (formerly Invitae), Labcorp
Classification: Uncertain significance. Last evaluated: 2022-07-29. Review status: criteria provided, single submitter. Criteria: Invitae Variant Classification Sherloc (09022015). Collection method: clinical testing. Allele origin: germline.
Comment: This sequence change replaces glutamine, which is neutral and polar, with glutamic acid, which is acidic and polar, at codon 1754 of the TUBGCP6 protein (p.Gln1754Glu). This variant is not present in population databases (gnomAD no frequency). This variant has not been reported in the literature in individuals affected with TUBGCP6-related conditions. Algorithms developed to predict the effect of missense changes on protein structure and function are either unavailable or do not agree on the potential impact of this missense change (SIFT: "Deleterious"; PolyPhen-2: "Possibly Damaging"; Align-GVGD: "Class C0"). In summary, the available evidence is currently insufficient to determine the role of this variant in disease. Therefore, it has been classified as a Variant of Uncertain Significance.

NM_020461.4(TUBGCP6):c.5260C>G (p.Gln1754Glu)

Gene: TUBGCP6 (tubulin gamma complex component 6; minus strand). Cytogenetic location: 22q13.33.
Variant type: single nucleotide variant.
Coding change: c.5260C>G on transcript NM_020461.4 (MANE Select); coding-DNA position 5260, C replaced by G.
Protein change: p.Gln1754Glu; replaces glutamine 1754 with glutamic acid.
Molecular consequence: missense variant.
Genome position (GRCh38, 1-based): chr22:50,218,026, G>C on the plus strand (C>G on the coding strand, the complement: TUBGCP6 is on the minus strand). VCF-style: chr22-50218026-G-C. GRCh37 (hg19) VCF-style: chr22-50656455-G-C.
Other names: short protein forms Q1754E.
Identifiers: ClinVar variation 1960254 (VCV001960254.5), dbSNP rs752750569, ClinGen allele CA412162875.